The following is an entry in ClinVar:

NM_001127222.2(CACNA1A):c.26C>G (p.Pro9Arg)

Gene: CACNA1A (calcium voltage-gated channel subunit alpha1 A; minus strand). Cytogenetic location: 19p13.13.
Variant type: single nucleotide variant.
Coding change: c.26C>G on transcript NM_001127222.2 (MANE Select); coding-DNA position 26, C replaced by G.
Protein change: p.Pro9Arg; replaces proline 9 with arginine.
Molecular consequence: missense variant.
Genome position (GRCh38, 1-based): chr19:13,506,199, G>C on the plus strand (C>G on the coding strand, the complement: CACNA1A is on the minus strand). VCF-style: chr19-13506199-G-C. GRCh37 (hg19) VCF-style: chr19-13617013-G-C.
Other names: c.26C>G, p.Pro9Arg (NM_000068.4, NM_001127221.2, NM_001174080.2 and 1 more transcripts); short protein forms P9R.
Identifiers: ClinVar variation 2940737 (VCV002940737.3), dbSNP rs1487101039, ClinGen allele CA404971350.

ClinVar aggregate classification (germline): Uncertain significance (1 of 4 stars; one submission).

Conditions:
Episodic ataxia type 2 (EA2). Also called: CEREBELLAR ATAXIA, PAROXYSMAL, ACETAZOLAMIDE-RESPONSIVE; CEREBELLOPATHY, HEREDITARY PAROXYSMAL; EPISODIC ATAXIA, NYSTAGMUS-ASSOCIATED; ACETAZOLAMIDE-RESPONSIVE HEREDITARY PAROXYSMAL CEREBELLAR ATAXIA; ATAXIA, EPISODIC, WITH NYSTAGMUS; ATAXIA, FAMILIAL PAROXYSMAL. Identifiers: Orphanet 97, MedGen C1720416, MONDO:0007163, OMIM 108500.
Developmental and epileptic encephalopathy, 42 (DEE42A). Also called: Epileptic encephalopathy, early infantile, 42; DEVELOPMENTAL AND EPILEPTIC ENCEPHALOPATHY 42A; EPILEPTIC ENCEPHALOPATHY, EARLY INFANTILE, 42A. Identifiers: MedGen C4310716, MONDO:0014917, OMIM 617106.

Submission:

Labcorp Genetics (formerly Invitae), Labcorp
Classification: Uncertain significance for Developmental and epileptic encephalopathy, 42; Episodic ataxia type 2. Last evaluated: 2024-02-14. Review status: criteria provided, single submitter. Criteria: Invitae Variant Classification Sherloc (09022015). Collection method: clinical testing. Allele origin: germline.
Comment: This sequence change replaces proline, which is neutral and non-polar, with arginine, which is basic and polar, at codon 9 of the CACNA1A protein (p.Pro9Arg). This variant is not present in population databases (gnomAD no frequency). This variant has not been reported in the literature in individuals affected with CACNA1A-related conditions. Advanced modeling of protein sequence and biophysical properties (such as structural, functional, and spatial information, amino acid conservation, physicochemical variation, residue mobility, and thermodynamic stability) has been performed at Invitae for this missense variant, however the output from this modeling did not meet the statistical confidence thresholds required to predict the impact of this variant on CACNA1A protein function. In summary, the available evidence is currently insufficient to determine the role of this variant in disease. Therefore, it has been classified as a Variant of Uncertain Significance.